The following is an entry in ClinVar:

NM_024721.5(ZFHX4):c.4880A>G (p.Glu1627Gly)

Gene: ZFHX4 (zinc finger homeobox 4; plus strand). Cytogenetic location: 8q21.13.
Variant type: single nucleotide variant.
Coding change: c.4880A>G on transcript NM_024721.5 (MANE Select); coding-DNA position 4880, A replaced by G.
Protein change: p.Glu1627Gly; replaces glutamic acid 1627 with glycine.
Molecular consequence: missense variant.
Genome position (GRCh38, 1-based): chr8:76,851,801, A>G. VCF-style: chr8-76851801-A-G. GRCh37 (hg19) VCF-style: chr8-77764037-A-G.
Other names: c.4802A>G, p.Glu1601Gly (NM_001410934.1); short protein forms E1601G, E1627G.
Identifiers: ClinVar variation 4881438 (VCV004881438.2).

ClinVar aggregate classification (germline): Uncertain significance (1 of 4 stars; one submission).

Submission:

Dasa
Classification: Uncertain significance. Last evaluated: 2026-01-29. Review status: criteria provided, single submitter. Criteria: DASA Assertion Criteria. Collection method: clinical testing. Allele origin: germline.
Comment: NM_024721.5(ZFHX4):c.4880A>G (p.Glu1627Gly) is a missense variant that results in the substitution of glutamic acid with glycine. This variant is rare in population databases. The currently available literature and clinical evidence are not sufficient to establish a definitive association between this variant and the reported condition. Therefore, this variant is classified as a variant of uncertain significance.